The following is an entry in ClinVar:

NM_001134831.2(AHI1):c.2951A>T (p.Glu984Val)

Gene: AHI1 (Abelson helper integration site 1; minus strand). Cytogenetic location: 6q23.3.
Variant type: single nucleotide variant.
Coding change: c.2951A>T on transcript NM_001134831.2 (MANE Select); coding-DNA position 2951, A replaced by T.
Protein change: p.Glu984Val; replaces glutamic acid 984 with valine.
Molecular consequence: missense variant.
Genome position (GRCh38, 1-based): chr6:135,411,358, T>A on the plus strand (A>T on the coding strand, the complement: AHI1 is on the minus strand). VCF-style: chr6-135411358-T-A. GRCh37 (hg19) VCF-style: chr6-135732496-T-A.
Other names: c.2951A>T, p.Glu984Val (NM_001134830.2, NM_001134832.2, NM_001350503.2 and 2 more transcripts); c.2951A>T (NM_017651.4); short protein forms E984V.
Identifiers: ClinVar variation 1487477 (VCV001487477.6), dbSNP rs780642756, ClinGen allele CA4012230.

ClinVar aggregate classification (germline): Uncertain significance. Review status: criteria provided, multiple submitters, no conflicts (2 of 4 stars). 2 submissions from 2 submitters: Uncertain significance (2). Last evaluated 2025-05-20.

Conditions:
Joubert syndrome. Also called: CEREBELLOPARENCHYMAL DISORDER IV; JOUBERT-BOLTSHAUSER SYNDROME; Familial aplasia of the vermis. Identifiers: Orphanet 475, MedGen C5979921, MONDO:0018772.

Allele frequency attached by ClinVar (database versions not stated): ExAC 0.00001; gnomAD exomes 0.00001 and 0.00002; TOPMed 0.00001.
gnomAD v4.1: 5 of 1,612,184 alleles (0.00031%); highest among the groups gnomAD compares: Admixed American, 0.0083%; no homozygotes.

Submissions (2):

GeneDx
Classification: Uncertain significance. Last evaluated: 2025-05-20. Review status: criteria provided, single submitter. Criteria: GeneDx Variant Classification Process June 2021. Collection method: clinical testing. Allele origin: germline. Affected: yes.
Comment: In silico analysis supports that this missense variant has a deleterious effect on protein structure/function; Has not been previously published as pathogenic or benign to our knowledge

Labcorp Genetics (formerly Invitae), Labcorp
Classification: Uncertain significance for Joubert syndrome. Last evaluated: 2022-04-24. Review status: criteria provided, single submitter. Criteria: Invitae Variant Classification Sherloc (09022015). Collection method: clinical testing. Allele origin: germline.
Comment: This sequence change replaces glutamic acid, which is acidic and polar, with valine, which is neutral and non-polar, at codon 984 of the AHI1 protein (p.Glu984Val). This variant is present in population databases (rs780642756, gnomAD 0.02%). This variant has not been reported in the literature in individuals affected with AHI1-related conditions. Advanced modeling of protein sequence and biophysical properties (such as structural, functional, and spatial information, amino acid conservation, physicochemical variation, residue mobility, and thermodynamic stability) performed at Invitae indicates that this missense variant is not expected to disrupt AHI1 protein function. Algorithms developed to predict the effect of sequence changes on RNA splicing suggest that this variant may create or strengthen a splice site. In summary, the available evidence is currently insufficient to determine the role of this variant in disease. Therefore, it has been classified as a Variant of Uncertain Significance.